The following is an entry in ClinVar:

ClinVar aggregate classification (germline): Likely benign. Review status: criteria provided, multiple submitters, no conflicts (2 of 4 stars). 2 submissions from 2 submitters: Likely benign (2). Last evaluated 2025-11-17.

Conditions:
Congenital myasthenic syndrome 8. Also called: Myasthenic syndrome, congenital, 8, with pre- and postsynaptic defects; MYASTHENIC SYNDROME, CONGENITAL, DUE TO AGRIN DEFICIENCY. Identifiers: Orphanet 590, MedGen C3808739, MONDO:0014052, OMIM 615120.

Allele frequency attached by ClinVar (database versions not stated): gnomAD 0.00015 and 0.00022; TOPMed 0.00016; gnomAD exomes 0.00020 and 0.00038; ExAC 0.00036; 1000 Genomes Project 30x 0.00062; 1000 Genomes Project 0.00080.
gnomAD v4.1: 580 of 1,600,444 alleles (0.036%); highest among the groups gnomAD compares: East Asian, 1.2%; 6 homozygotes.

Submissions (2):

Labcorp Genetics (formerly Invitae), Labcorp
Classification: Likely benign for Congenital myasthenic syndrome 8. Last evaluated: 2025-11-17. Review status: criteria provided, single submitter. Criteria: Invitae Variant Classification Sherloc (09022015). Collection method: clinical testing. Allele origin: germline.

CeGaT Center for Human Genetics Tuebingen
Classification: Likely benign. Last evaluated: 2025-03-01. Review status: criteria provided, single submitter. Criteria: CeGaT Center For Human Genetics Tuebingen Variant Classification Criteria Version 2. Collection method: clinical testing. Allele origin: germline. Affected: yes. Observed: 1 variant allele.
Comment: AGRN: BS1

NM_198576.4(AGRN):c.5501C>T (p.Pro1834Leu)

Gene: AGRN (agrin; plus strand). Cytogenetic location: 1p36.33.
Variant type: single nucleotide variant.
Coding change: c.5501C>T on transcript NM_198576.4 (MANE Select); coding-DNA position 5501, C replaced by T.
Protein change: p.Pro1834Leu; replaces proline 1834 with leucine.
Molecular consequence: missense variant.
Genome position (GRCh38, 1-based): chr1:1,051,583, C>T. VCF-style: chr1-1051583-C-T. GRCh37 (hg19) VCF-style: chr1-986963-C-T.
Other names: c.5513C>T, p.Pro1838Leu (NM_001305275.2); c.5198C>T, p.Pro1733Leu (NM_001364727.2); short protein forms P1838L, P1733L, P1834L.
Identifiers: ClinVar variation 703091 (VCV000703091.19), dbSNP rs145116277, ClinGen allele CA510054.
Genomic context (GRCh38, chr1:1,051,583, plus strand): 5'-CAGGTCACCCCTGCACCCGGGCCTCAGGCCACCCCTGCCTCAATGGGGCCTCCTGCGTCC[C>T]GAGGGAGGCTGCCTATGTGTGCCTGTGTCCCGGGGGATTCTCAGGACCGCACTGCGAGAA-3'
Protein context (NP_940978.2, residues 1824-1844): HPCLNGASCV[Pro1834Leu]REAAYVCLCP